The following is an entry in ClinVar:

NM_006509.4(RELB):c.131C>T (p.Ser44Leu)

Gene: RELB (RELB proto-oncogene, NF-kB subunit; plus strand). Cytogenetic location: 19q13.32.
Variant type: single nucleotide variant.
Coding change: c.131C>T on transcript NM_006509.4 (MANE Select); coding-DNA position 131, C replaced by T.
Protein change: p.Ser44Leu; replaces serine 44 with leucine.
Molecular consequence: missense variant.
Genome position (GRCh38, 1-based): chr19:45,002,973, C>T. VCF-style: chr19-45002973-C-T. GRCh37 (hg19) VCF-style: chr19-45506231-C-T.
Other names: c.131C>T, p.Ser44Leu (NM_001411087.1); short protein forms S44L.
Identifiers: ClinVar variation 2002243 (VCV002002243.4), dbSNP rs1205296434, ClinGen allele CA406320391.

ClinVar aggregate classification (germline): Uncertain significance (1 of 4 stars; one submission).

Allele frequency attached by ClinVar (database versions not stated): gnomAD exomes below 0.00001.
gnomAD v4.1: 3 of 1,613,518 alleles (0.00019%); highest among the groups gnomAD compares: South Asian, 0.0022%; no homozygotes.

Submission:

Labcorp Genetics (formerly Invitae), Labcorp
Classification: Uncertain significance. Last evaluated: 2024-11-05. Review status: criteria provided, single submitter. Criteria: Invitae Variant Classification Sherloc (09022015). Collection method: clinical testing. Allele origin: germline.
Comment: This sequence change replaces serine, which is neutral and polar, with leucine, which is neutral and non-polar, at codon 44 of the RELB protein (p.Ser44Leu). This variant is not present in population databases (gnomAD no frequency). This variant has not been reported in the literature in individuals affected with RELB-related conditions. ClinVar contains an entry for this variant (Variation ID: 2002243). An algorithm developed to predict the effect of missense changes on protein structure and function (PolyPhen-2) suggests that this variant is likely to be tolerated. In summary, the available evidence is currently insufficient to determine the role of this variant in disease. Therefore, it has been classified as a Variant of Uncertain Significance.